The following is an entry in ClinVar:

NM_017534.6(MYH2):c.5792G>A (p.Arg1931Gln)

Genes: MYH2 (myosin heavy chain 2; minus strand), MYHAS (myosin heavy chain gene cluster antisense RNA; plus strand). Cytogenetic location: 17p13.1.
Variant type: single nucleotide variant.
Coding change: c.5792G>A on transcript NM_017534.6 (MANE Select); coding-DNA position 5792, G replaced by A.
Protein change: p.Arg1931Gln; replaces arginine 1931 with glutamine.
Molecular consequence: missense variant.
Genome position (GRCh38, 1-based): chr17:10,521,314, C>T on the plus strand (G>A on the coding strand, the complement: MYH2 is on the minus strand). VCF-style: chr17-10521314-C-T. GRCh37 (hg19) VCF-style: chr17-10424631-C-T.
Other names: c.5792G>A, p.Arg1931Gln (NM_001100112.2); short protein forms R1931Q.
Identifiers: ClinVar variation 1416062 (VCV001416062.6), dbSNP rs763107075, ClinGen allele CA8390306.

ClinVar aggregate classification (germline): Uncertain significance (1 of 4 stars; one submission).

Conditions:
Myopathy, proximal, and ophthalmoplegia (CMYO6). Also called: CONGENITAL MYOPATHY 6 WITH OPHTHALMOPLEGIA; MYOPATHY WITH CONGENITAL JOINT CONTRACTURES, OPHTHALMOPLEGIA, AND RIMMED VACUOLES; INCLUSION BODY MYOPATHY 3, AUTOSOMAL DOMINANT. Identifiers: Orphanet 363677, Orphanet 79091, MedGen C1854106, MONDO:0011577, OMIM 605637.

Allele frequency attached by ClinVar (database versions not stated): gnomAD 0.00001; TOPMed 0.00001; ExAC 0.00002; gnomAD exomes 0.00003 and 0.00004.
gnomAD v4.1: 44 of 1,613,954 alleles (0.0027%); highest among the groups gnomAD compares: Admixed American, 0.013%; no homozygotes.

Submission:

Labcorp Genetics (formerly Invitae), Labcorp
Classification: Uncertain significance for Myopathy, proximal, and ophthalmoplegia. Last evaluated: 2025-02-20. Review status: criteria provided, single submitter. Criteria: Invitae Variant Classification Sherloc (09022015). Collection method: clinical testing. Allele origin: germline.
Comment: This sequence change replaces arginine, which is basic and polar, with glutamine, which is neutral and polar, at codon 1931 of the MYH2 protein (p.Arg1931Gln). This variant is present in population databases (rs763107075, gnomAD 0.02%). This variant has not been reported in the literature in individuals affected with MYH2-related conditions. ClinVar contains an entry for this variant (Variation ID: 1416062). Invitae Evidence Modeling of protein sequence and biophysical properties (such as structural, functional, and spatial information, amino acid conservation, physicochemical variation, residue mobility, and thermodynamic stability) indicates that this missense variant is not expected to disrupt MYH2 protein function with a negative predictive value of 80%. In summary, the available evidence is currently insufficient to determine the role of this variant in disease. Therefore, it has been classified as a Variant of Uncertain Significance.